The following is an entry in ClinVar:

NM_000059.4(BRCA2):c.2026T>C (p.Cys676Arg)

Gene: BRCA2 (BRCA2 DNA repair associated; plus strand). Cytogenetic location: 13q13.1.
Variant type: single nucleotide variant.
Coding change: c.2026T>C on transcript NM_000059.4 (MANE Select); coding-DNA position 2026, T replaced by C.
Protein change: p.Cys676Arg; replaces cysteine 676 with arginine.
Molecular consequence: missense variant.
Genome position (GRCh38, 1-based): chr13:32,336,381, T>C. VCF-style: chr13-32336381-T-C. GRCh37 (hg19) VCF-style: chr13-32910518-T-C.
Other names: 2254T>C; short protein forms C676R.
Identifiers: ClinVar variation 37772 (VCV000037772.30), dbSNP rs397507280, ClinGen allele CA014166.

ClinVar aggregate classification (germline): Conflicting classifications of pathogenicity. Review status: criteria provided, conflicting classifications (1 of 4 stars). 10 submissions from 10 submitters: Uncertain significance (8); Likely benign (1). 1 of the submissions does not count toward it. Last evaluated 2025-07-05.

Conditions:
Hereditary cancer-predisposing syndrome. Also called: Tumor predisposition; Neoplastic Syndromes, Hereditary; Hereditary neoplastic syndrome; Hereditary Cancer Syndrome. Identifiers: Orphanet 140162, MedGen C0027672, MeSH D009386, MONDO:0015356.
Familial cancer of breast. Also called: Hereditary breast cancer; BREAST CANCER, FAMILIAL; hereditary breast carcinoma. Identifiers: Orphanet 227535, MedGen C0346153, MONDO:0016419, OMIM 114480. Disease mechanism: loss of function.
Breast-ovarian cancer, familial, susceptibility to, 2 (BROVCA2). Also called: BRCA2 Hereditary Breast and Ovarian Cancer. Identifiers: Orphanet 145, MedGen C2675520, MONDO:0012933, OMIM 612555. Disease mechanism: loss of function.
Hereditary breast ovarian cancer syndrome. Also called: Hereditary breast and ovarian cancer; Hereditary breast and ovarian cancer syndrome (HBOC); Hereditary breast and/or ovarian cancer syndrome; Breast and ovarian cancer; Hereditary breast and ovarian cancer syndrome; BRCA1- and BRCA2-Associated Hereditary Breast and Ovarian Cancer. Identifiers: Orphanet 145, MedGen C0677776, MeSH D061325, MONDO:0003582. Disease mechanism: loss of function.

Allele frequency attached by ClinVar (database versions not stated): gnomAD exomes below 0.00001 and 0.00001; gnomAD 0.00001; TOPMed 0.00001.
gnomAD v4.1: 7 of 1,611,404 alleles (0.00043%); highest among the groups gnomAD compares: Non-Finnish European, 0.00051%; no homozygotes.

Submissions (10):

Color Diagnostics, LLC DBA Color Health
Classification: Uncertain significance for Hereditary cancer-predisposing syndrome. Last evaluated: 2025-07-05. Review status: criteria provided, single submitter. Criteria: ACMG Guidelines, 2015. Collection method: clinical testing. Allele origin: germline.
Comment: This missense variant replaces cysteine with arginine at codon 676 of the BRCA2 protein. Computational prediction suggests that this variant may not impact protein structure and function. To our knowledge, functional studies have not been reported for this variant. This variant has not been reported in individuals affected with BRCA2-related disorders in the literature. This variant has been identified in 2/249190 chromosomes in the general population by the Genome Aggregation Database (gnomAD). The available evidence is insufficient to determine the role of this variant in disease conclusively. Therefore, this variant is classified as a Variant of Uncertain Significance.

Ambry Genetics
Classification: Uncertain significance for Hereditary cancer-predisposing syndrome. Last evaluated: 2025-05-28. Review status: criteria provided, single submitter. Criteria: Ambry Variant Classification Scheme 2023. Collection method: clinical testing. Allele origin: germline.
Comment: The p.C676R variant (also known as c.2026T>C), located in coding exon 10 of the BRCA2 gene, results from a T to C substitution at nucleotide position 2026. The cysteine at codon 676 is replaced by arginine, an amino acid with highly dissimilar properties. This amino acid position is poorly conserved in available vertebrate species. In addition, this alteration is predicted to be tolerated by in silico analysis. Since supporting evidence is limited at this time, the clinical significance of this alteration remains unclear.

Labcorp Genetics (formerly Invitae), Labcorp
Classification: Uncertain significance for Hereditary breast ovarian cancer syndrome. Last evaluated: 2025-03-11. Review status: criteria provided, single submitter. Criteria: Invitae Variant Classification Sherloc (09022015). Collection method: clinical testing. Allele origin: germline.
Comment: This sequence change replaces cysteine, which is neutral and slightly polar, with arginine, which is basic and polar, at codon 676 of the BRCA2 protein (p.Cys676Arg). This variant is present in population databases (rs397507280, gnomAD 0.002%). This variant has not been reported in the literature in individuals affected with BRCA2-related conditions. ClinVar contains an entry for this variant (Variation ID: 37772). Invitae Evidence Modeling of protein sequence and biophysical properties (such as structural, functional, and spatial information, amino acid conservation, physicochemical variation, residue mobility, and thermodynamic stability) indicates that this missense variant is not expected to disrupt BRCA2 protein function with a negative predictive value of 95%. In summary, the available evidence is currently insufficient to determine the role of this variant in disease. Therefore, it has been classified as a Variant of Uncertain Significance.

GeneDx
Classification: Uncertain significance. Last evaluated: 2023-08-31. Review status: criteria provided, single submitter. Criteria: GeneDx Variant Classification Process June 2021. Collection method: clinical testing. Allele origin: germline. Affected: yes.
Comment: Not observed at significant frequency in large population cohorts (gnomAD); In silico analysis supports that this missense variant does not alter protein structure/function; Has not been previously published as pathogenic or benign to our knowledge; Also known as 2254T>C; This variant is associated with the following publications: (PMID: 22874498)

All of Us Research Program, National Institutes of Health
Classification: Uncertain significance for Breast-ovarian cancer, familial, susceptibility to, 2. Last evaluated: 2023-05-16. Review status: criteria provided, single submitter. Criteria: ACMG Guidelines, 2015. Collection method: clinical testing. Allele origin: germline. Inheritance: Autosomal dominant inheritance. Observed: 1 variant allele, 1 heterozygote.
Comment: This missense variant replaces cysteine with arginine at codon 676 of the BRCA2 protein. Computational prediction tool suggests that this variant may not impact protein structure and function (internally defined REVEL score threshold <=0.5, PMID: 27666373). Splice site prediction tools suggest that this variant may not impact RNA splicing. To our knowledge, functional studies have not been performed for this variant. This variant has not been reported in individuals affected with hereditary cancer in the literature. This variant has been identified in 2/249190 chromosomes in the general population by the Genome Aggregation Database (gnomAD). The available evidence is insufficient to determine the role of this variant in disease conclusively. Therefore, this variant is classified as a Variant of Uncertain Significance.

This study involves interpretation of variants in research participants for the purpose of population health screening. Participant phenotype was not available at the time of variant classification. Additional details can be found in publication PMID: 35346344, PMCID: PMC8962531

University of Washington Department of Laboratory Medicine, University of Washington
Classification: Likely benign for Hereditary cancer-predisposing syndrome. Last evaluated: 2023-03-23. Review status: criteria provided, single submitter. Criteria: Dines et al. (Genet Med. 2020). Collection method: curation. Allele origin: germline.
Comment: Missense variant in a coldspot region where missense variants are very unlikely to be pathogenic (PMID:31911673).

BRCA2 exon 11 coldspot. Reclassification based on statistical prior probability.

Department of Pathology and Laboratory Medicine, Sinai Health System
Classification: Uncertain significance for Familial cancer of breast; Breast-ovarian cancer, familial, susceptibility to, 2. Last evaluated: 2021-03-04. Review status: criteria provided, single submitter. Criteria: ACMG Guidelines, 2015. Collection method: clinical testing. Allele origin: germline. Affected: yes.

Mayo Clinic Laboratories, Mayo Clinic
Classification: Uncertain significance. Last evaluated: 2020-03-02. Review status: criteria provided, single submitter. Criteria: ACMG Guidelines, 2015. Collection method: clinical testing. Allele origin: germline. Observed: 1 variant allele.

Quest Diagnostics Nichols Institute San Juan Capistrano
Classification: Uncertain significance for Breast-ovarian cancer, familial, susceptibility to, 2. Last evaluated: 2016-04-19. Review status: criteria provided, single submitter. Criteria: Quest Diagnostics criteria. Collection method: clinical testing. Allele origin: germline. Inheritance: Autosomal dominant inheritance.

Sharing Clinical Reports Project (SCRP)
Classification: Uncertain significance for Breast-ovarian cancer, familial 2. Last evaluated: 2012-08-31. Review status: no assertion criteria provided. Collection method: clinical testing. Allele origin: germline. Not counted in ClinVar's aggregate classification.

Literature cited by the submitters: PubMed 26295337 (cited by Quest Diagnostics Nichols Institute San Juan Capistrano).